The following is an entry in ClinVar:

NM_000059.4(BRCA2):c.8633-1140C>G

Gene: BRCA2 (BRCA2 DNA repair associated; plus strand). Cytogenetic location: 13q13.1.
Variant type: single nucleotide variant.
Coding change: c.8633-1140C>G on transcript NM_000059.4 (MANE Select); 1140 bases into the intron before coding-DNA position 8633, C replaced by G.
Molecular consequence: intron variant.
Genome position (GRCh38, 1-based): chr13:32,375,530, C>G. VCF-style: chr13-32375530-C-G. GRCh37 (hg19) VCF-style: chr13-32949667-C-G.
Other names: IVS 20-1140C>G.
Identifiers: ClinVar variation 209832 (VCV000209832.1), dbSNP rs140570300, ClinGen allele CA276800.

ClinVar aggregate classification (germline): Benign (3 of 4 stars; one submission).

Conditions:
Breast-ovarian cancer, familial, susceptibility to, 2 (BROVCA2). Also called: BRCA2 Hereditary Breast and Ovarian Cancer. Identifiers: Orphanet 145, MedGen C2675520, MONDO:0012933, OMIM 612555. Disease mechanism: loss of function.

Allele frequency attached by ClinVar (database versions not stated): gnomAD 0.00045 and 0.00069; gnomAD exomes 0.00074; TOPMed 0.00093; 1000 Genomes Project 0.00419; 1000 Genomes Project 30x 0.00437.
gnomAD v4.1: 171 of 248,978 alleles (0.069%); highest among the groups gnomAD compares: East Asian, 2.1%; 1 homozygote.

Submission:

Evidence-based Network for the Interpretation of Germline Mutant Alleles (ENIGMA)
Classification: Benign for Breast-ovarian cancer, familial 2. Last evaluated: 2015-01-12. Review status: reviewed by expert panel. Criteria: ENIGMA BRCA1/2 Classification Criteria (2015). Collection method: curation. Allele origin: germline.
Comment: Class 1 not pathogenic based on frequency >1% in an outbred sampleset. Frequency 0.02622 (Asian), derived from 1000 genomes (2012-04-30).